The following is an entry in ClinVar:

ClinVar aggregate classification (germline): Pathogenic (1 of 4 stars; one submission).

Conditions:
Spastic paraplegia. Identifiers: MedGen C0037772, HP:0001258.

Submission:

Labcorp Genetics (formerly Invitae), Labcorp
Classification: Pathogenic for Spastic paraplegia. Last evaluated: 2022-08-30. Review status: criteria provided, single submitter. Criteria: Invitae Variant Classification Sherloc (09022015). Collection method: clinical testing. Allele origin: germline.
Comment: This variant is not present in population databases (gnomAD no frequency). This sequence change creates a premature translational stop signal (p.Tyr26*) in the L1CAM gene. It is expected to result in an absent or disrupted protein product. Loss-of-function variants in L1CAM are known to be pathogenic (PMID: 19846429). This premature translational stop signal has been observed in individual(s) with clinical features of L1 syndrome (PMID: 19846429). For these reasons, this variant has been classified as Pathogenic. Algorithms developed to predict the effect of sequence changes on RNA splicing suggest that this variant may create or strengthen a splice site.

Literature cited by the submitters: PubMed 19846429.

NM_001278116.2(L1CAM):c.78T>A (p.Tyr26Ter)

Gene: L1CAM (L1 cell adhesion molecule; minus strand). Cytogenetic location: Xq28.
Variant type: single nucleotide variant.
Coding change: c.78T>A on transcript NM_001278116.2 (MANE Select); coding-DNA position 78, T replaced by A.
Protein change: p.Tyr26Ter; replaces tyrosine 26 with a stop codon.
Molecular consequence: nonsense. On other transcripts: intron variant (1).
Genome position (GRCh38, 1-based): chrX:153,873,241, A>T on the plus strand (T>A on the coding strand, the complement: L1CAM is on the minus strand). VCF-style: chrX-153873241-A-T. GRCh37 (hg19) VCF-style: chrX-153138696-A-T.
Other names: c.78T>A, p.Tyr26Ter (NM_000425.5, NM_024003.3); c.77-544T>A (NM_001143963.2); short protein forms Y26*.
Identifiers: ClinVar variation 2138779 (VCV002138779.4), dbSNP rs2521043571, ClinGen allele CA415141915.